The following is an entry in ClinVar:

ClinVar aggregate classification (germline): Uncertain significance. Review status: criteria provided, multiple submitters, no conflicts (2 of 4 stars). 2 submissions from 2 submitters: Uncertain significance (2). Last evaluated 2026-09-10.

Conditions:
Rhabdoid tumor predisposition syndrome 2 (RTPS2). Identifiers: Orphanet 231108, Orphanet 69077, MedGen C2750074, MONDO:0013224, OMIM 613325.
Hereditary cancer-predisposing syndrome. Also called: Hereditary neoplastic syndrome; Neoplastic Syndromes, Hereditary; Tumor predisposition; Hereditary Cancer Syndrome. Identifiers: Orphanet 140162, MedGen C0027672, MeSH D009386, MONDO:0015356.

Submissions (2):

Ambry Genetics
Classification: Uncertain significance for Hereditary cancer-predisposing syndrome. Last evaluated: 2026-09-10. Review status: criteria provided, single submitter. Criteria: Ambry Variant Classification Scheme 2023. Collection method: clinical testing. Allele origin: germline.
Comment: The p.S1652C variant (also known as c.4955C>G), located in coding exon 34 of the SMARCA4 gene, results from a C to G substitution at nucleotide position 4955. The serine at codon 1652 is replaced by cysteine, an amino acid with dissimilar properties. This amino acid position is not well conserved in available vertebrate species. In addition, the in silico prediction for this alteration is inconclusive. Based on the available evidence, the clinical significance of this variant remains unclear.

Labcorp Genetics (formerly Invitae), Labcorp
Classification: Uncertain significance for Rhabdoid tumor predisposition syndrome 2. Last evaluated: 2024-04-17. Review status: criteria provided, single submitter. Criteria: Invitae Variant Classification Sherloc (09022015). Collection method: clinical testing. Allele origin: germline.
Comment: This sequence change replaces serine, which is neutral and polar, with cysteine, which is neutral and slightly polar, at codon 1652 of the SMARCA4 protein (p.Ser1652Cys). This variant is not present in population databases (gnomAD no frequency). This variant has not been reported in the literature in individuals affected with SMARCA4-related conditions. Advanced modeling of protein sequence and biophysical properties (such as structural, functional, and spatial information, amino acid conservation, physicochemical variation, residue mobility, and thermodynamic stability) performed at Invitae indicates that this missense variant is not expected to disrupt SMARCA4 protein function with a negative predictive value of 95%. In summary, the available evidence is currently insufficient to determine the role of this variant in disease. Therefore, it has been classified as a Variant of Uncertain Significance.

NM_003072.5(SMARCA4):c.4859C>G (p.Ser1620Cys)

Gene: SMARCA4 (SWI/SNF related BAF chromatin remodeling complex subunit ATPase 4; plus strand). Cytogenetic location: 19p13.2.
Variant type: single nucleotide variant.
Coding change: c.4859C>G on transcript NM_003072.5 (MANE Select); coding-DNA position 4859, C replaced by G.
Protein change: p.Ser1620Cys; replaces serine 1620 with cysteine.
Molecular consequence: missense variant. On other transcripts: non-coding transcript variant (1).
Genome position (GRCh38, 1-based): chr19:11,060,135, C>G. VCF-style: chr19-11060135-C-G. GRCh37 (hg19) VCF-style: chr19-11170811-C-G.
Other names: c.4955C>G (NM_001128849.1); c.4859C>G, p.Ser1620Cys (NM_001128844.3); c.4769C>G, p.Ser1590Cys (NM_001128845.2); c.4766C>G, p.Ser1589Cys (NM_001128846.2); c.4760C>G, p.Ser1587Cys (NM_001128847.4, NM_001374457.1); c.4757C>G, p.Ser1586Cys (NM_001128848.2); c.4955C>G, p.Ser1652Cys (NM_001128849.3, NM_001387283.1); c.4856C>G, p.Ser1619Cys (NM_001411150.1); short protein forms S1619C, S1587C, S1620C, S1589C, S1652C, S1586C, S1590C.
Identifiers: ClinVar variation 3636892 (VCV003636892.3).